The following is an entry in ClinVar:

ClinVar aggregate classification (germline): Uncertain significance. Review status: criteria provided, multiple submitters, no conflicts (2 of 4 stars). 2 submissions from 2 submitters: Uncertain significance (2). Last evaluated 2024-02-28.

Allele frequency attached by ClinVar (database versions not stated): TOPMed below 0.00001; gnomAD exomes 0.00001 and 0.00003; gnomAD 0.00002; ExAC 0.00003; 1000 Genomes Project 30x 0.00047; 1000 Genomes Project 0.00060.
gnomAD v4.1: 18 of 1,614,122 alleles (0.0011%); highest among the groups gnomAD compares: South Asian, 0.012%; no homozygotes.

Submissions (2):

Mayo Clinic Laboratories, Mayo Clinic
Classification: Uncertain significance. Last evaluated: 2024-02-28. Review status: criteria provided, single submitter. Criteria: ACMG Guidelines, 2015. Collection method: clinical testing. Allele origin: germline. Observed: 1 variant allele.
Comment: BP4

Labcorp Genetics (formerly Invitae), Labcorp
Classification: Uncertain significance. Last evaluated: 2022-07-05. Review status: criteria provided, single submitter. Criteria: Invitae Variant Classification Sherloc (09022015). Collection method: clinical testing. Allele origin: germline.
Comment: In summary, the available evidence is currently insufficient to determine the role of this variant in disease. Therefore, it has been classified as a Variant of Uncertain Significance. Algorithms developed to predict the effect of missense changes on protein structure and function are either unavailable or do not agree on the potential impact of this missense change (SIFT: "Deleterious"; PolyPhen-2: "Benign"; Align-GVGD: "Class C15"). ClinVar contains an entry for this variant (Variation ID: 1508224). This variant has not been reported in the literature in individuals affected with SPARC-related conditions. This variant is present in population databases (rs551241293, gnomAD 0.02%). This sequence change replaces glutamic acid, which is acidic and polar, with lysine, which is basic and polar, at codon 271 of the SPARC protein (p.Glu271Lys).

NM_003118.4(SPARC):c.811G>A (p.Glu271Lys)

Genes: SPARC (secreted protein acidic and cysteine rich; minus strand), LOC126807556 (MED14-independent group 3 enhancer GRCh37_chr5:151042798-151043997; plus strand). Cytogenetic location: 5q33.1.
Variant type: single nucleotide variant.
Coding change: c.811G>A on transcript NM_003118.4 (MANE Select); coding-DNA position 811, G replaced by A.
Protein change: p.Glu271Lys; replaces glutamic acid 271 with lysine.
Molecular consequence: missense variant.
Genome position (GRCh38, 1-based): chr5:151,664,159, C>T on the plus strand (G>A on the coding strand, the complement: SPARC is on the minus strand). VCF-style: chr5-151664159-C-T. GRCh37 (hg19) VCF-style: chr5-151043720-C-T.
Other names: p.Glu271Lys; c.808G>A, p.Glu270Lys (NM_001309443.2); c.811G>A, p.Glu271Lys (NM_001309444.2); short protein forms E270K, E271K.
Identifiers: ClinVar variation 1508224 (VCV001508224.7), dbSNP rs551241293, ClinGen allele CA3522567.